The following is an entry in ClinVar:

ClinVar aggregate classification (germline): Uncertain significance. Review status: criteria provided, multiple submitters, no conflicts (2 of 4 stars). 2 submissions from 2 submitters: Uncertain significance (2). Last evaluated 2024-09-03.

Conditions:
Spastic paraplegia. Identifiers: MedGen C0037772, HP:0001258.

Allele frequency attached by ClinVar (database versions not stated): ExAC 0.00007; ESP Exome Variant Server 0.00008; gnomAD exomes 0.00009.
gnomAD v4.1: 67 of 1,614,156 alleles (0.0042%); highest among the groups gnomAD compares: African/African-American, 0.025%; no homozygotes.

Submissions (2):

Labcorp Genetics (formerly Invitae), Labcorp
Classification: Uncertain significance for Spastic paraplegia. Last evaluated: 2024-09-03. Review status: criteria provided, single submitter. Criteria: Invitae Variant Classification Sherloc (09022015). Collection method: clinical testing. Allele origin: germline.
Comment: This sequence change replaces proline, which is neutral and non-polar, with leucine, which is neutral and non-polar, at codon 288 of the ZFYVE26 protein (p.Pro288Leu). This variant is present in population databases (rs369243775, gnomAD 0.03%). This variant has not been reported in the literature in individuals affected with ZFYVE26-related conditions. ClinVar contains an entry for this variant (Variation ID: 1693620). An algorithm developed to predict the effect of missense changes on protein structure and function outputs the following: PolyPhen-2: "Benign". The leucine amino acid residue is found in multiple mammalian species, which suggests that this missense change does not adversely affect protein function. In summary, the available evidence is currently insufficient to determine the role of this variant in disease. Therefore, it has been classified as a Variant of Uncertain Significance.

Mayo Clinic Laboratories, Mayo Clinic
Classification: Uncertain significance. Last evaluated: 2021-04-16. Review status: criteria provided, single submitter. Criteria: ACMG Guidelines, 2015. Collection method: clinical testing. Allele origin: germline.

NM_015346.4(ZFYVE26):c.863C>T (p.Pro288Leu)

Gene: ZFYVE26 (zinc finger FYVE-type containing 26; minus strand). Cytogenetic location: 14q24.1.
Variant type: single nucleotide variant.
Coding change: c.863C>T on transcript NM_015346.4 (MANE Select); coding-DNA position 863, C replaced by T.
Protein change: p.Pro288Leu; replaces proline 288 with leucine.
Molecular consequence: missense variant.
Genome position (GRCh38, 1-based): chr14:67,807,421, G>A on the plus strand (C>T on the coding strand, the complement: ZFYVE26 is on the minus strand). VCF-style: chr14-67807421-G-A. GRCh37 (hg19) VCF-style: chr14-68274138-G-A.
Other names: p.Pro288Leu; short protein forms P288L.
Identifiers: ClinVar variation 1693620 (VCV001693620.7), dbSNP rs369243775, ClinGen allele CA7240684.